The following is an entry in ClinVar:

NM_021815.5(SLC5A7):c.448+6G>A

Gene: SLC5A7 (solute carrier family 5 member 7; plus strand). Cytogenetic location: 2q12.3.
Variant type: single nucleotide variant.
Coding change: c.448+6G>A on transcript NM_021815.5 (MANE Select); 6 bases into the intron after coding-DNA position 448, G replaced by A.
Molecular consequence: intron variant.
Genome position (GRCh38, 1-based): chr2:107,993,133, G>A. VCF-style: chr2-107993133-G-A. GRCh37 (hg19) VCF-style: chr2-108609589-G-A.
Other names: c.-257+6G>A (NM_001305007.3); c.448+6G>A (NM_001305005.3); c.133+6G>A (NM_001305006.3).
Identifiers: ClinVar variation 2199507 (VCV002199507.4), dbSNP rs2467065837, ClinGen allele CA2580063711.

ClinVar aggregate classification (germline): Uncertain significance (1 of 4 stars; one submission).

Conditions:
Neuronopathy, distal hereditary motor, type 7A. Also called: SPINAL MUSCULAR ATROPHY, DISTAL, WITH VOCAL CORD PARALYSIS; Neuronopathy, distal hereditary motor, type viia; HARPER-YOUNG MYOPATHY; HMN VIIA; NEURONOPATHY, DISTAL HEREDITARY MOTOR, HARDING TYPE VIIA; NEUROPATHY, DISTAL HEREDITARY MOTOR, HARDING TYPE VIIA. Identifiers: Orphanet 139589, MedGen C1834703, MONDO:0008024, OMIM 158580.
Congenital myasthenic syndrome 20. Also called: Myasthenic syndrome, congenital, 20, presynaptic. Identifiers: MedGen C4310694, MONDO:0014939, OMIM 617143.

Allele frequency attached by ClinVar (database versions not stated): gnomAD exomes below 0.00001.
gnomAD v4.1: 4 of 1,614,074 alleles (0.00025%); highest among the groups gnomAD compares: Non-Finnish European, 0.00025%; no homozygotes.

Submission:

Labcorp Genetics (formerly Invitae), Labcorp
Classification: Uncertain significance for Neuronopathy, distal hereditary motor, type 7A; Congenital myasthenic syndrome 20. Last evaluated: 2023-03-01. Review status: criteria provided, single submitter. Criteria: Invitae Variant Classification Sherloc (09022015). Collection method: clinical testing. Allele origin: germline.
Comment: In summary, the available evidence is currently insufficient to determine the role of this variant in disease. Therefore, it has been classified as a Variant of Uncertain Significance. Variants that disrupt the consensus splice site are a relatively common cause of aberrant splicing (PMID: 17576681, 9536098). Algorithms developed to predict the effect of sequence changes on RNA splicing suggest that this variant is not likely to affect RNA splicing. ClinVar contains an entry for this variant (Variation ID: 2199507). This variant has not been reported in the literature in individuals affected with SLC5A7-related conditions. This variant is not present in population databases (gnomAD no frequency). This sequence change falls in intron 4 of the SLC5A7 gene. It does not directly change the encoded amino acid sequence of the SLC5A7 protein. It affects a nucleotide within the consensus splice site.

Literature cited by the submitters: PubMed 17576681; PubMed 9536098.